The following is an entry in ClinVar:

NM_032043.3(BRIP1):c.2383G>C (p.Glu795Gln)

Gene: BRIP1 (BRCA1 interacting DNA helicase 1; minus strand). Cytogenetic location: 17q23.2.
Variant type: single nucleotide variant.
Coding change: c.2383G>C on transcript NM_032043.3 (MANE Select); coding-DNA position 2383, G replaced by C.
Protein change: p.Glu795Gln; replaces glutamic acid 795 with glutamine.
Molecular consequence: missense variant.
Genome position (GRCh38, 1-based): chr17:61,716,060, C>G on the plus strand (G>C on the coding strand, the complement: BRIP1 is on the minus strand). VCF-style: chr17-61716060-C-G. GRCh37 (hg19) VCF-style: chr17-59793421-C-G.
Other names: short protein forms E795Q.
Identifiers: ClinVar variation 1790466 (VCV001790466.2), dbSNP rs2144384208, ClinGen allele CA400479850.

ClinVar aggregate classification (germline): Uncertain significance (1 of 4 stars; one submission).

Conditions:
Hereditary cancer-predisposing syndrome. Also called: Hereditary Cancer Syndrome; Hereditary neoplastic syndrome; Tumor predisposition; Neoplastic Syndromes, Hereditary. Identifiers: Orphanet 140162, MedGen C0027672, MeSH D009386, MONDO:0015356.

Submission:

Ambry Genetics
Classification: Uncertain significance for Hereditary cancer-predisposing syndrome. Last evaluated: 2022-01-10. Review status: criteria provided, single submitter. Criteria: Ambry Variant Classification Scheme 2023. Collection method: clinical testing. Allele origin: germline.
Comment: The p.E795Q variant (also known as c.2383G>C), located in coding exon 16 of the BRIP1 gene, results from a G to C substitution at nucleotide position 2383. The glutamic acid at codon 795 is replaced by glutamine, an amino acid with highly similar properties. This amino acid position is conserved. In addition, the in silico prediction for this alteration is inconclusive. Since supporting evidence is limited at this time, the clinical significance of this alteration remains unclear.